The following is an entry in ClinVar:

ClinVar aggregate classification (germline): Uncertain significance. Review status: criteria provided, multiple submitters, no conflicts (2 of 4 stars). 2 submissions from 2 submitters: Uncertain significance (2). Last evaluated 2026-03-19.

Conditions:
Inborn genetic diseases. Identifiers: MedGen C0950123, MeSH D030342.

gnomAD v4.1: 2 of 1,613,102 alleles (0.00012%); highest among the groups gnomAD compares: African/African-American, 0.0027%; no homozygotes.

Submissions (2):

Ambry Genetics
Classification: Uncertain significance for Inborn genetic diseases. Last evaluated: 2026-03-19. Review status: criteria provided, single submitter. Criteria: Ambry Variant Classification Scheme 2023. Collection method: clinical testing. Allele origin: germline.

Labcorp Genetics (formerly Invitae), Labcorp
Classification: Uncertain significance. Last evaluated: 2025-07-15. Review status: criteria provided, single submitter. Criteria: Invitae Variant Classification Sherloc (09022015). Collection method: clinical testing. Allele origin: germline.
Comment: This sequence change replaces leucine, which is neutral and non-polar, with valine, which is neutral and non-polar, at codon 1441 of the NSD1 protein (p.Leu1441Val). This variant is not present in population databases (gnomAD no frequency). This variant has not been reported in the literature in individuals affected with NSD1-related conditions. ClinVar contains an entry for this variant (Variation ID: 3724272). Invitae Evidence Modeling of protein sequence and biophysical properties (such as structural, functional, and spatial information, amino acid conservation, physicochemical variation, residue mobility, and thermodynamic stability) indicates that this missense variant is not expected to disrupt NSD1 protein function with a negative predictive value of 95%. In summary, the available evidence is currently insufficient to determine the role of this variant in disease. Therefore, it has been classified as a Variant of Uncertain Significance.

NM_022455.5(NSD1):c.4321C>G (p.Leu1441Val)

Gene: NSD1 (nuclear receptor binding SET domain protein 1; plus strand). Cytogenetic location: 5q35.3.
Variant type: single nucleotide variant.
Coding change: c.4321C>G on transcript NM_022455.5 (MANE Select); coding-DNA position 4321, C replaced by G.
Protein change: p.Leu1441Val; replaces leucine 1441 with valine.
Molecular consequence: missense variant.
Genome position (GRCh38, 1-based): chr5:177,244,213, C>G. VCF-style: chr5-177244213-C-G. GRCh37 (hg19) VCF-style: chr5-176671214-C-G.
Other names: c.3448C>G, p.Leu1150Val (NM_001365684.2, NM_001409306.1, NM_001409307.1 and 3 more transcripts); c.4321C>G, p.Leu1441Val (NM_001409301.1, NM_001409302.1, NM_001409303.1); c.3901C>G, p.Leu1301Val (NM_001409304.1); c.3568C>G, p.Leu1190Val (NM_001409305.1); short protein forms L1441V, L1190V, L1301V, L1150V.
Identifiers: ClinVar variation 3724272 (VCV003724272.3).